The following is an entry in ClinVar:

ClinVar aggregate classification (germline): Uncertain significance (1 of 4 stars; one submission).

gnomAD v4.1: 5 of 1,613,152 alleles (0.00031%); highest among the groups gnomAD compares: African/African-American, 0.0027%; no homozygotes.

Submission:

GeneDx
Classification: Uncertain significance. Last evaluated: 2025-06-24. Review status: criteria provided, single submitter. Criteria: GeneDx Variant Classification Process June 2021. Collection method: clinical testing. Allele origin: germline. Affected: yes.
Comment: Not observed at significant frequency in large population cohorts (gnomAD); In silico analysis suggests that this missense variant does not alter protein structure/function; Has not been previously published as pathogenic or benign to our knowledge

NM_001363118.2(SLC52A2):c.463G>T (p.Ala155Ser)

Gene: SLC52A2 (solute carrier family 52 member 2; plus strand). Cytogenetic location: 8q24.3.
Variant type: single nucleotide variant.
Coding change: c.463G>T on transcript NM_001363118.2 (MANE Select); coding-DNA position 463, G replaced by T.
Protein change: p.Ala155Ser; replaces alanine 155 with serine.
Molecular consequence: missense variant. On other transcripts: non-coding transcript variant (1), intron variant (5).
Genome position (GRCh38, 1-based): chr8:144,359,955, G>T. VCF-style: chr8-144359955-G-T. GRCh37 (hg19) VCF-style: chr8-145583615-G-T.
Other names: c.463G>T, p.Ala155Ser (NM_001253815.2, NM_001253816.2, NM_001363120.2 and 5 more transcripts); c.199G>T, p.Ala67Ser (NM_001410949.1); c.131-160G>T (NM_001438494.1, NM_001438089.1, NM_001438499.1 and 2 more transcripts); short protein forms A155S, A67S.
Identifiers: ClinVar variation 4540300 (VCV004540300.1).